The following is an entry in ClinVar:

NM_016030.6(TRAPPC12):c.1604-1G>T

Gene: TRAPPC12 (trafficking protein particle complex subunit 12; plus strand). Cytogenetic location: 2p25.3.
Variant type: single nucleotide variant.
Coding change: c.1604-1G>T on transcript NM_016030.6 (MANE Select); the canonical splice acceptor site of the intron before coding-DNA position 1604, G replaced by T.
Molecular consequence: splice acceptor variant.
Genome position (GRCh38, 1-based): chr2:3,460,262, G>T. VCF-style: chr2-3460262-G-T. GRCh37 (hg19) VCF-style: chr2-3464033-G-T.
Other names: c.1604-1G>T (NM_001321102.2).
Identifiers: ClinVar variation 1029569 (VCV001029569.1), dbSNP rs375354960, ClinGen allele CA1515536.

ClinVar aggregate classification (germline): Likely pathogenic (1 of 4 stars; one submission).

Conditions:
Early-onset progressive encephalopathy-hearing loss-pons hypoplasia-brain atrophy syndrome. Also called: ENCEPHALOPATHY, PROGRESSIVE, EARLY-ONSET, WITH BRAIN ATROPHY AND SPASTICITY. Identifiers: Orphanet 500144, MedGen C5567229, MONDO:0044696, OMIM 617669.

Allele frequency attached by ClinVar (database versions not stated): ExAC 0.00001; gnomAD 0.00001; TOPMed 0.00001; ESP Exome Variant Server 0.00008; gnomAD exomes 0.00001.
gnomAD v4.1: 3 of 873,304 alleles (0.00034%); highest among the groups gnomAD compares: African/African-American, 0.0049%; no homozygotes.

Submission:

Baylor Genetics
Classification: Likely pathogenic for Early-onset progressive encephalopathy-hearing loss-pons hypoplasia-brain atrophy syndrome. Last evaluated: 2019-08-30. Review status: criteria provided, single submitter. Criteria: ACMG Guidelines, 2015. Collection method: clinical testing. Allele origin: unknown. Affected: yes.
Comment: This variant was determined to be likely pathogenic according to ACMG Guidelines, 2015 [PMID:25741868].